The following is an entry in ClinVar:

NM_002185.5(IL7R):c.814G>A (p.Val272Ile)

Gene: IL7R (interleukin 7 receptor; plus strand). Cytogenetic location: 5p13.2.
Variant type: single nucleotide variant.
Coding change: c.814G>A on transcript NM_002185.5 (MANE Select); coding-DNA position 814, G replaced by A.
Protein change: p.Val272Ile; replaces valine 272 with isoleucine.
Molecular consequence: missense variant. On other transcripts: non-coding transcript variant (1).
Genome position (GRCh38, 1-based): chr5:35,875,525, G>A. VCF-style: chr5-35875525-G-A. GRCh37 (hg19) VCF-style: chr5-35875627-G-A.
Other names: short protein forms V272I.
Identifiers: ClinVar variation 1364144 (VCV001364144.6), dbSNP rs369971728, ClinGen allele CA3232132.

ClinVar aggregate classification (germline): Conflicting classifications of pathogenicity. Review status: criteria provided, conflicting classifications (1 of 4 stars). 2 submissions from 2 submitters: Uncertain significance (1); Likely benign (1). Last evaluated 2024-11-07.

Conditions:
Immunodeficiency 104. Also called: Severe combined immunodeficiency, autosomal recessive, T cell-negative, B cell-positive, NK cell-positive; Severe Combined Immune Deficiency, Autosomal Recessive, TCell -Negative, B Cell-Positive, NK Cell-Positive, IL7R-Related; SCID, AUTOSOMAL RECESSIVE, T CELL-NEGATIVE, B CELL-POSITIVE, NK CELL-POSITIVE; IMMUNODEFICIENCY 104, SEVERE COMBINED. Identifiers: MedGen C5676890, MONDO:0012163, OMIM 608971.

Allele frequency attached by ClinVar (database versions not stated): gnomAD 0.00001; TOPMed 0.00001; ExAC 0.00002; gnomAD exomes 0.00002 and 0.00003; ESP Exome Variant Server 0.00008.
gnomAD v4.1: 34 of 1,611,868 alleles (0.0021%); highest among the groups gnomAD compares: Admixed American, 0.0033%; no homozygotes.

Submissions (2):

Blueprint Genetics
Classification: Likely benign. Last evaluated: 2024-11-07. Review status: criteria provided, single submitter. Criteria: ACMG Guidelines, 2015. Collection method: clinical testing. Allele origin: germline.

Labcorp Genetics (formerly Invitae), Labcorp
Classification: Uncertain significance for Immunodeficiency 104. Last evaluated: 2022-03-11. Review status: criteria provided, single submitter. Criteria: Invitae Variant Classification Sherloc (09022015). Collection method: clinical testing. Allele origin: germline.
Comment: This sequence change replaces valine, which is neutral and non-polar, with isoleucine, which is neutral and non-polar, at codon 272 of the IL7R protein (p.Val272Ile). This variant is present in population databases (rs369971728, gnomAD 0.004%). This variant has not been reported in the literature in individuals affected with IL7R-related conditions. Advanced modeling of protein sequence and biophysical properties (such as structural, functional, and spatial information, amino acid conservation, physicochemical variation, residue mobility, and thermodynamic stability) performed at Invitae indicates that this missense variant is not expected to disrupt IL7R protein function. In summary, the available evidence is currently insufficient to determine the role of this variant in disease. Therefore, it has been classified as a Variant of Uncertain Significance.